The following is an entry in ClinVar:

ClinVar aggregate classification (germline): Conflicting classifications of pathogenicity. Review status: criteria provided, conflicting classifications (1 of 4 stars). 5 submissions from 5 submitters: Uncertain significance (1); Likely benign (4). Last evaluated 2026-01-17.

Conditions:
ERCC3-related disorder. Also called: ERCC3-related condition.
Xeroderma pigmentosum group B. Also called: XP, GROUP B; XPB/CS; XERODERMA PIGMENTOSUM B/COCKAYNE SYNDROME; ERCC3-Related Xeroderma Pigmentosum. Identifiers: MedGen C0268136, MONDO:0012531, OMIM 610651.
Xeroderma pigmentosum (XP). Identifiers: Orphanet 910, MedGen C0043346, MONDO:0019600.

Allele frequency attached by ClinVar (database versions not stated): 1000 Genomes Project 30x 0.00031; 1000 Genomes Project 0.00040; TOPMed 0.00097; ESP Exome Variant Server 0.00108.
gnomAD v4.1: 436 of 1,614,168 alleles (0.027%); highest among the groups gnomAD compares: African/African-American, 0.27%; 2 homozygotes.

Submissions (5):

Labcorp Genetics (formerly Invitae), Labcorp
Classification: Likely benign. Last evaluated: 2026-01-17. Review status: criteria provided, single submitter. Criteria: Invitae Variant Classification Sherloc (09022015). Collection method: clinical testing. Allele origin: germline.

CeGaT Center for Human Genetics Tuebingen
Classification: Likely benign. Last evaluated: 2024-11-01. Review status: criteria provided, single submitter. Criteria: CeGaT Center For Human Genetics Tuebingen Variant Classification Criteria Version 2. Collection method: clinical testing. Allele origin: germline. Affected: yes. Observed: 1 variant allele.
Comment: ERCC3: BP4, BP7

PreventionGenetics, part of Exact Sciences
Classification: Likely benign for ERCC3-related condition. Last evaluated: 2024-10-27. Review status: criteria provided, single submitter. Criteria: ACMG Guidelines, 2015. Collection method: clinical testing. Allele origin: germline.
Comment: This variant is classified as likely benign based on ACMG/AMP sequence variant interpretation guidelines (Richards et al. 2015 PMID: 25741868, with internal and published modifications).

Sema4
Classification: Likely benign for Xeroderma pigmentosum. Last evaluated: 2022-01-31. Review status: criteria provided, single submitter. Criteria: Sema4 Curation Guidelines. Collection method: curation. Allele origin: germline.

Illumina Laboratory Services, Illumina
Classification: Uncertain significance for Xeroderma pigmentosum group B. Last evaluated: 2018-01-13. Review status: criteria provided, single submitter. Criteria: ICSL Variant Classification Criteria 13 December 2019. Collection method: clinical testing. Allele origin: germline.

NM_000122.2(ERCC3):c.2112G>A (p.Ser704=)

Gene: ERCC3 (ERCC excision repair 3, TFIIH core complex helicase subunit; minus strand). Cytogenetic location: 2q14.3.
Variant type: single nucleotide variant.
Coding change: c.2112G>A on transcript NM_000122.2 (MANE Select); coding-DNA position 2112, G replaced by A.
Protein change: p.Ser704=; no amino-acid change (serine 704 retained).
Molecular consequence: synonymous variant.
Genome position (GRCh38, 1-based): chr2:127,259,401, C>T on the plus strand (G>A on the coding strand, the complement: ERCC3 is on the minus strand). VCF-style: chr2-127259401-C-T. GRCh37 (hg19) VCF-style: chr2-128016977-C-T.
Other names: c.1920G>A, p.Ser640= (NM_001303416.2, NM_001303418.2).
Identifiers: ClinVar variation 331073 (VCV000331073.29), dbSNP rs114710997, ClinGen allele CA1858080.